The following is an entry in ClinVar:

NM_000264.5(PTCH1):c.2902C>T (p.Pro968Ser)

Gene: PTCH1 (patched 1; minus strand). Cytogenetic location: 9q22.32.
Variant type: single nucleotide variant.
Coding change: c.2902C>T on transcript NM_000264.5 (MANE Select); coding-DNA position 2902, C replaced by T.
Protein change: p.Pro968Ser; replaces proline 968 with serine.
Molecular consequence: missense variant. On other transcripts: non-coding transcript variant (1).
Genome position (GRCh38, 1-based): chr9:95,458,279, G>A on the plus strand (C>T on the coding strand, the complement: PTCH1 is on the minus strand). VCF-style: chr9-95458279-G-A. GRCh37 (hg19) VCF-style: chr9-98220561-G-A.
Other names: c.2704C>T, p.Pro902Ser (NM_001083602.3); c.2899C>T, p.Pro967Ser (NM_001083603.3); c.2449C>T, p.Pro817Ser (NM_001083604.3, NM_001083605.3, NM_001083606.3 and 1 more transcripts); c.2746C>T, p.Pro916Ser (NM_001354918.2); short protein forms P902S, P916S, P967S, P817S, P968S.
Identifiers: ClinVar variation 2195623 (VCV002195623.4), dbSNP rs1839138904, ClinGen allele CA374112821.

ClinVar aggregate classification (germline): Uncertain significance (1 of 4 stars; one submission).

Conditions:
Gorlin syndrome. Also called: Nevoid Basal Cell Carcinoma Syndrome; Basal cell nevus syndrome. Identifiers: Orphanet 377, MedGen C0004779, MONDO:0007187.

Submission:

Labcorp Genetics (formerly Invitae), Labcorp
Classification: Uncertain significance for Gorlin syndrome. Last evaluated: 2024-11-22. Review status: criteria provided, single submitter. Criteria: Invitae Variant Classification Sherloc (09022015). Collection method: clinical testing. Allele origin: germline.
Comment: This sequence change replaces proline, which is neutral and non-polar, with serine, which is neutral and polar, at codon 968 of the PTCH1 protein (p.Pro968Ser). This variant is not present in population databases (gnomAD no frequency). This variant has not been reported in the literature in individuals affected with PTCH1-related conditions. ClinVar contains an entry for this variant (Variation ID: 2195623). Invitae Evidence Modeling of protein sequence and biophysical properties (such as structural, functional, and spatial information, amino acid conservation, physicochemical variation, residue mobility, and thermodynamic stability) indicates that this missense variant is not expected to disrupt PTCH1 protein function with a negative predictive value of 95%. In summary, the available evidence is currently insufficient to determine the role of this variant in disease. Therefore, it has been classified as a Variant of Uncertain Significance.